The following is an entry in ClinVar:

NM_004168.4(SDHA):c.1596G>T (p.Leu532Phe)

Gene: SDHA (succinate dehydrogenase complex flavoprotein subunit A; plus strand). Cytogenetic location: 5p15.33.
Variant type: single nucleotide variant.
Coding change: c.1596G>T on transcript NM_004168.4 (MANE Select); coding-DNA position 1596, G replaced by T.
Protein change: p.Leu532Phe; replaces leucine 532 with phenylalanine.
Molecular consequence: missense variant. On other transcripts: intron variant (1).
Genome position (GRCh38, 1-based): chr5:251,036, G>T. VCF-style: chr5-251036-G-T. GRCh37 (hg19) VCF-style: chr5-251151-G-T.
Other names: c.1452G>T, p.Leu484Phe (NM_001294332.2); c.1552-3357G>T (NM_001330758.2); short protein forms L484F, L532F.
Identifiers: ClinVar variation 939327 (VCV000939327.13), dbSNP rs1449742263, ClinGen allele CA358998498.
Genomic context (GRCh38, chr5:251,036, plus strand): 5'-ATATTTTGTGCCACAGTCAATGCAAAATCATGCTGCCGTGTTCCGTGTGGGAAGCGTGTT[G>T]CAAGAAGGTTGTGGGAAAATCAGCAAGCTCTATGGAGACCTAAAGCACCTGAAGACGTTC-3'
Protein context (NP_004159.2, residues 522-542): HAAVFRVGSV[Leu532Phe]QEGCGKISKL

ClinVar aggregate classification (germline): Uncertain significance. Review status: criteria provided, multiple submitters, no conflicts (2 of 4 stars). 4 submissions from 4 submitters: Uncertain significance (4). Last evaluated 2025-08-12.

Conditions:
Mitochondrial complex II deficiency, nuclear type 1. Also called: SUCCINATE CoQ REDUCTASE DEFICIENCY. Identifiers: Orphanet 3208, MedGen C5700310, MONDO:0100294, OMIM 252011.
Pheochromocytoma/paraganglioma syndrome 5. Also called: Paragangliomas 5; SDHA-Related Hereditary Paraganglioma-Pheochromocytoma Syndrome. Identifiers: Orphanet 29072, MedGen C3279992, MONDO:0013602, OMIM 614165.
Hereditary cancer-predisposing syndrome. Also called: Hereditary Cancer Syndrome; Neoplastic Syndromes, Hereditary; Tumor predisposition; Hereditary neoplastic syndrome. Identifiers: Orphanet 140162, MedGen C0027672, MeSH D009386, MONDO:0015356.

gnomAD v4.1: 1 of 1,612,044 alleles (0.000062%); highest among the groups gnomAD compares: Non-Finnish European, 0.000085%; no homozygotes.

Submissions (4):

Ambry Genetics
Classification: Uncertain significance for Hereditary cancer-predisposing syndrome. Last evaluated: 2025-08-12. Review status: criteria provided, single submitter. Criteria: Ambry Variant Classification Scheme 2023. Collection method: clinical testing. Allele origin: germline.
Comment: The p.L532F variant (also known as c.1596G>T), located in coding exon 12 of the SDHA gene, results from a G to T substitution at nucleotide position 1596. The leucine at codon 532 is replaced by phenylalanine, an amino acid with highly similar properties. This amino acid position is highly conserved in available vertebrate species. In addition, the in silico prediction for this alteration is inconclusive. Since supporting evidence is limited at this time, the clinical significance of this alteration remains unclear.

Labcorp Genetics (formerly Invitae), Labcorp
Classification: Uncertain significance for Pheochromocytoma/paraganglioma syndrome 5; Mitochondrial complex II deficiency, nuclear type 1. Last evaluated: 2025-03-09. Review status: criteria provided, single submitter. Criteria: Invitae Variant Classification Sherloc (09022015). Collection method: clinical testing. Allele origin: germline.
Comment: This sequence change replaces leucine, which is neutral and non-polar, with phenylalanine, which is neutral and non-polar, at codon 532 of the SDHA protein (p.Leu532Phe). This variant is present in population databases (no rsID available, gnomAD 0.007%). This variant has not been reported in the literature in individuals affected with SDHA-related conditions. ClinVar contains an entry for this variant (Variation ID: 939327). Invitae Evidence Modeling of protein sequence and biophysical properties (such as structural, functional, and spatial information, amino acid conservation, physicochemical variation, residue mobility, and thermodynamic stability) has been performed for this missense variant. However, the output from this modeling did not meet the statistical confidence thresholds required to predict the impact of this variant on SDHA protein function. In summary, the available evidence is currently insufficient to determine the role of this variant in disease. Therefore, it has been classified as a Variant of Uncertain Significance.

GeneDx
Classification: Uncertain significance. Last evaluated: 2024-09-02. Review status: criteria provided, single submitter. Criteria: GeneDx Variant Classification Process June 2021. Collection method: clinical testing. Allele origin: germline. Affected: yes.
Comment: Not observed at significant frequency in large population cohorts (gnomAD); In silico analysis supports that this missense variant has a deleterious effect on protein structure/function; Has not been previously published as pathogenic or benign to our knowledge

Quest Diagnostics Nichols Institute San Juan Capistrano
Classification: Uncertain significance. Last evaluated: 2022-10-07. Review status: criteria provided, single submitter. Criteria: Quest Diagnostics criteria. Collection method: clinical testing. Allele origin: unknown.
Comment: The variant has not been reported in the published literature. The frequency of this variant in the general population, 0.000032 (1/31394 chromosomes), is uninformative in assessment of its pathogenicity. Analysis of this variant using bioinformatics tools for the prediction of the effect of amino acid changes on protein structure and function yielded predictions that this variant is damaging. Based on the available information, we are unable to determine the clinical significance of this variant.